The following is an entry in ClinVar:

ClinVar aggregate classification (germline): Uncertain significance (1 of 4 stars; one submission).

Conditions:
Bardet-Biedl syndrome (BBS). Identifiers: Orphanet 110, MedGen C0752166, MONDO:0015229.

Submission:

Labcorp Genetics (formerly Invitae), Labcorp
Classification: Uncertain significance for Bardet-Biedl syndrome. Last evaluated: 2019-09-12. Review status: criteria provided, single submitter. Criteria: Invitae Variant Classification Sherloc (09022015). Collection method: clinical testing. Allele origin: germline.
Comment: In summary, the available evidence is currently insufficient to determine the role of this variant in disease. Therefore, it has been classified as a Variant of Uncertain Significance. Algorithms developed to predict the effect of missense changes on protein structure and function are either unavailable or do not agree on the potential impact of this missense change (SIFT: "Deleterious"; PolyPhen-2: "Benign"; Align-GVGD: "Class C25"). This variant has not been reported in the literature in individuals with BBS9-related conditions. This variant is not present in population databases (ExAC no frequency). This sequence change replaces valine with leucine at codon 417 of the BBS9 protein (p.Val417Leu). The valine residue is highly conserved and there is a small physicochemical difference between valine and leucine.

NM_198428.3(BBS9):c.1249G>C (p.Val417Leu)

Gene: BBS9 (Bardet-Biedl syndrome 9; plus strand). Cytogenetic location: 7p14.3.
Variant type: single nucleotide variant.
Coding change: c.1249G>C on transcript NM_198428.3 (MANE Select); coding-DNA position 1249, G replaced by C.
Protein change: p.Val417Leu; replaces valine 417 with leucine.
Molecular consequence: missense variant. On other transcripts: non-coding transcript variant (3).
Genome position (GRCh38, 1-based): chr7:33,340,947, G>C. VCF-style: chr7-33340947-G-C. GRCh37 (hg19) VCF-style: chr7-33380559-G-C.
Other names: c.1249G>C, p.Val417Leu (NM_001033604.2, NM_001033605.2, NM_001348036.1 and 5 more transcripts); c.883G>C, p.Val295Leu (NM_001348037.3, NM_001348044.3, NM_001348045.3 and 1 more transcripts); c.976G>C, p.Val326Leu (NM_001348038.3, NM_001348039.3); c.1114G>C, p.Val372Leu (NM_001348042.3); short protein forms V295L, V326L, V417L, V372L.
Identifiers: ClinVar variation 938875 (VCV000938875.7), dbSNP rs751604593, ClinGen allele CA367255243.
Genomic context (GRCh38, chr7:33,340,947, plus strand): 5'-TAAATCACAGGTGTTTGGCCCATGACTGAGAGAGAAGATGACTTGAACGTTTCTGTCGTG[G>C]TTTCTCCTAACTTTGATTCAGTTTCTGTAGGTGTACTTGCAGATTTTAAAGGGGTTTATA-3'
Protein context (NP_940820.1, residues 407-427): REDDLNVSVV[Val417Leu]SPNFDSVSQA